The following is an entry in ClinVar:

NM_001161403.3(LIMS2):c.590T>A (p.Ile197Asn)

Gene: LIMS2 (LIM zinc finger domain containing 2; minus strand). Cytogenetic location: 2q14.3.
Variant type: single nucleotide variant.
Coding change: c.590T>A on transcript NM_001161403.3 (MANE Select); coding-DNA position 590, T replaced by A.
Protein change: p.Ile197Asn; replaces isoleucine 197 with asparagine.
Molecular consequence: missense variant.
Genome position (GRCh38, 1-based): chr2:127,642,119, A>T on the plus strand (T>A on the coding strand, the complement: LIMS2 is on the minus strand). VCF-style: chr2-127642119-A-T. GRCh37 (hg19) VCF-style: chr2-128399694-A-T.
Other names: c.656T>A, p.Ile219Asn (NM_001136037.4); c.575T>A, p.Ile192Asn (NM_001161404.2); c.134T>A, p.Ile45Asn (NM_001256542.2); c.662T>A, p.Ile221Asn (NM_017980.5); short protein forms I192N, I221N, I45N, I197N, I219N.
Identifiers: ClinVar variation 4748311 (VCV004748311.1).
Genomic context (GRCh38, chr2:127,642,119, plus strand): 5'-CACTGCTTGCCCAGCGCGTTGACCACTCGGCCCTCGATGGGCCGGCGGCAGGCCCCGCAG[A>T]TGGGGACGCCCATCTTGTCATGGCAGGGCAGGCAGTAGAGCTCACCCTTCAGCTCGCGGG-3'
Protein context (NP_001154875.1, residues 187-207): LPCHDKMGVP[Ile197Asn]CGACRRPIEG

ClinVar aggregate classification (germline): Uncertain significance (1 of 4 stars; one submission).

Conditions:
Autosomal recessive limb-girdle muscular dystrophy type 2W (MDRCMTT). Also called: Muscular dystrophy, limb-girdle, type 2W; Muscular dystrophy, autosomal recessive, with cardiomyopathy and triangular tongue. Identifiers: MedGen C4225192, MONDO:0014788, OMIM 616827.

gnomAD v4.1: 8 of 1,607,846 alleles (0.0005%); highest among the groups gnomAD compares: Non-Finnish European, 0.00051%; no homozygotes.

Submission:

Labcorp Genetics (formerly Invitae), Labcorp
Classification: Uncertain significance for Autosomal recessive limb-girdle muscular dystrophy type 2W. Last evaluated: 2025-06-29. Review status: criteria provided, single submitter. Criteria: Invitae Variant Classification Sherloc (09022015). Collection method: clinical testing. Allele origin: germline.
Comment: This sequence change replaces isoleucine, which is neutral and non-polar, with asparagine, which is neutral and polar, at codon 219 of the LIMS2 protein (p.Ile219Asn). This variant is present in population databases (no rsID available, gnomAD 0.004%). This variant has not been reported in the literature in individuals affected with LIMS2-related conditions. Invitae Evidence Modeling of protein sequence and biophysical properties (such as structural, functional, and spatial information, amino acid conservation, physicochemical variation, residue mobility, and thermodynamic stability) has been performed for this missense variant. However, the output from this modeling did not meet the statistical confidence thresholds required to predict the impact of this variant on LIMS2 protein function. In summary, the available evidence is currently insufficient to determine the role of this variant in disease. Therefore, it has been classified as a Variant of Uncertain Significance.